The following is an entry in ClinVar:

NM_198859.4(PRICKLE2):c.1832C>A (p.Ala611Asp)

Genes: PRICKLE2 (prickle planar cell polarity protein 2; minus strand), PRICKLE2-AS1 (PRICKLE2 antisense RNA 1; plus strand). Cytogenetic location: 3p14.1.
Variant type: single nucleotide variant.
Coding change: c.1832C>A on transcript NM_198859.4 (MANE Select); coding-DNA position 1832, C replaced by A.
Protein change: p.Ala611Asp; replaces alanine 611 with aspartic acid.
Molecular consequence: missense variant. On other transcripts: non-coding transcript variant (1).
Genome position (GRCh38, 1-based): chr3:64,099,754, G>T on the plus strand (C>A on the coding strand, the complement: PRICKLE2 is on the minus strand). VCF-style: chr3-64099754-G-T. GRCh37 (hg19) VCF-style: chr3-64085430-G-T.
Other names: c.1832C>A, p.Ala611Asp (NM_001370528.1); short protein forms A611D.
Identifiers: ClinVar variation 3008704 (VCV003008704.3), dbSNP rs746399399, ClinGen allele CA2479544.

ClinVar aggregate classification (germline): Uncertain significance (1 of 4 stars; one submission).

Conditions:
Progressive myoclonic epilepsy type 5. Identifiers: Orphanet 402082, MedGen C5190799.

gnomAD v4.1: 7 of 1,614,196 alleles (0.00043%); highest among the groups gnomAD compares: South Asian, 0.0011%; no homozygotes.

Submission:

Labcorp Genetics (formerly Invitae), Labcorp
Classification: Uncertain significance for Progressive myoclonic epilepsy type 5. Last evaluated: 2024-03-11. Review status: criteria provided, single submitter. Criteria: Invitae Variant Classification Sherloc (09022015). Collection method: clinical testing. Allele origin: germline.
Comment: This sequence change replaces alanine, which is neutral and non-polar, with aspartic acid, which is acidic and polar, at codon 611 of the PRICKLE2 protein (p.Ala611Asp). This variant is present in population databases (rs746399399, gnomAD 0.0009%). This variant has not been reported in the literature in individuals affected with PRICKLE2-related conditions. Advanced modeling of protein sequence and biophysical properties (such as structural, functional, and spatial information, amino acid conservation, physicochemical variation, residue mobility, and thermodynamic stability) performed at Invitae indicates that this missense variant is not expected to disrupt PRICKLE2 protein function with a negative predictive value of 80%. In summary, the available evidence is currently insufficient to determine the role of this variant in disease. Therefore, it has been classified as a Variant of Uncertain Significance.